The following is an entry in ClinVar:

ClinVar aggregate classification (germline): Uncertain significance (1 of 4 stars; one submission).

Submission:

Labcorp Genetics (formerly Invitae), Labcorp
Classification: Uncertain significance. Last evaluated: 2025-10-27. Review status: criteria provided, single submitter. Criteria: Invitae Variant Classification Sherloc (09022015). Collection method: clinical testing. Allele origin: germline.
Comment: This sequence change replaces glycine, which is neutral and non-polar, with valine, which is neutral and non-polar, at codon 226 of the PAX1 protein (p.Gly226Val). This variant is not present in population databases (gnomAD no frequency). This variant has not been reported in the literature in individuals affected with PAX1-related conditions. ClinVar contains an entry for this variant (Variation ID: 1394473). Invitae Evidence Modeling of protein sequence and biophysical properties (such as structural, functional, and spatial information, amino acid conservation, physicochemical variation, residue mobility, and thermodynamic stability) indicates that this missense variant is not expected to disrupt PAX1 protein function with a negative predictive value of 80%. In summary, the available evidence is currently insufficient to determine the role of this variant in disease. Therefore, it has been classified as a Variant of Uncertain Significance.

NM_001257096.2(PAX1):c.677G>T (p.Gly226Val)

Gene: PAX1 (paired box 1; plus strand). Cytogenetic location: 20p11.22.
Variant type: single nucleotide variant.
Coding change: c.677G>T on transcript NM_001257096.2 (MANE Select); coding-DNA position 677, G replaced by T.
Protein change: p.Gly226Val; replaces glycine 226 with valine.
Molecular consequence: missense variant.
Genome position (GRCh38, 1-based): chr20:21,706,828, G>T. VCF-style: chr20-21706828-G-T. GRCh37 (hg19) VCF-style: chr20-21687466-G-T.
Other names: c.677G>T, p.Gly226Val (NM_006192.5); short protein forms G226V.
Identifiers: ClinVar variation 1394473 (VCV001394473.6), dbSNP rs1311258575, ClinGen allele CA408498489.
Genomic context (GRCh38, chr20:21,706,828, plus strand): 5'-GTGACAAGTACAATGTGCCTTCGGTGAGCTCCATCAGCCGCATCCTGCGCAACAAGATCG[G>T]CAGCCTGGCGCAGCCCGGACCGTACGAGGCAAGTAAGCAGCCGCCGTCGCAGCCTACGCT-3'
Protein context (NP_001244025.1, residues 216-236): SISRILRNKI[Gly226Val]SLAQPGPYEA